The following is an entry in ClinVar:

ClinVar aggregate classification (germline): Conflicting classifications of pathogenicity. Review status: criteria provided, conflicting classifications (1 of 4 stars). 6 submissions from 6 submitters: Pathogenic (3); Likely pathogenic (2); Uncertain significance (1). Last evaluated 2025-09-15.

Conditions:
MKS1-related disorder. Also called: MKS1-related condition; MKS1-related disorders. Identifiers: MedGen CN239382.
Meckel syndrome, type 1 (MKS1). Also called: MECKEL-GRUBER SYNDROME, TYPE 1. Identifiers: Orphanet 564, MedGen C3714506, MONDO:0009571, OMIM 249000.
Joubert syndrome 28 (JBTS28). Identifiers: MedGen C4310705, MONDO:0014928, OMIM 617121.
Bardet-Biedl syndrome 13 (BBS13). Identifiers: Orphanet 110, MedGen C2673873, MONDO:0014441, OMIM 615990.
Joubert syndrome. Also called: Familial aplasia of the vermis; JOUBERT-BOLTSHAUSER SYNDROME. Identifiers: Orphanet 475, MedGen C5979921, MONDO:0018772.
Meckel-Gruber syndrome. Also called: DYSENCEPHALIA SPLANCHNOCYSTICA; GRUBER SYNDROME; Dysencephalia splachnocystica. Identifiers: Orphanet 564, MedGen C0265215, MONDO:0018921.

Allele frequency attached by ClinVar (database versions not stated): gnomAD exomes below 0.00001 and 0.00001; gnomAD 0.00001; TOPMed 0.00002.
gnomAD v4.1: 8 of 1,614,016 alleles (0.0005%); highest among the groups gnomAD compares: East Asian, 0.0022%; no homozygotes.

Submissions (6):

Labcorp Genetics (formerly Invitae), Labcorp
Classification: Pathogenic for Joubert syndrome; Meckel-Gruber syndrome. Last evaluated: 2025-09-15. Review status: criteria provided, single submitter. Criteria: Invitae Variant Classification Sherloc (09022015). Collection method: clinical testing. Allele origin: germline.
Comment: This sequence change creates a premature translational stop signal (p.Arg124*) in the MKS1 gene. It is expected to result in an absent or disrupted protein product. Loss-of-function variants in MKS1 are known to be pathogenic (PMID: 19466712, 24886560, 26490104). This variant is present in population databases (no rsID available, gnomAD 0.006%). This premature translational stop signal has been observed in individual(s) with clinical features of MKS1-related conditions (PMID: 30902645). ClinVar contains an entry for this variant (Variation ID: 631779). For these reasons, this variant has been classified as Pathogenic.

Blueprint Genetics
Classification: Likely pathogenic for MKS1-related disorders. Last evaluated: 2024-09-05. Review status: criteria provided, single submitter. Criteria: ACMG Guidelines, 2015. Collection method: clinical testing. Allele origin: germline. Affected: yes. Observed: 3 variant alleles.

Genomic Medicine Center of Excellence, King Faisal Specialist Hospital and Research Centre
Classification: Uncertain significance for Meckel syndrome, type 1. Last evaluated: 2024-03-26. Review status: criteria provided, single submitter. Criteria: ACMG Guidelines, 2015. Collection method: clinical testing. Allele origin: germline.

Baylor Genetics
Classification: Pathogenic for Bardet-Biedl syndrome 13. Last evaluated: 2023-12-26. Review status: criteria provided, single submitter. Criteria: ACMG Guidelines, 2015. Collection method: clinical testing. Allele origin: unknown.

Laboratory of Medical Genetics, National & Kapodistrian University of Athens
Classification: Pathogenic for Joubert syndrome 28. Last evaluated: 2021-10-01. Review status: criteria provided, single submitter. Criteria: ACMG Guidelines, 2015. Collection method: clinical testing. Allele origin: maternal. Affected: yes.
Comment: PVS1, PM2, PP3

Juno Genomics, Hangzhou Juno Genomics, Inc
Classification: Likely pathogenic for Bardet-Biedl syndrome 13; Joubert syndrome 28; Meckel syndrome, type 1. Review status: criteria provided, single submitter. Criteria: ACMG Guidelines, 2015. Collection method: clinical testing. Allele origin: germline.
Comment: Null variant in a gene where loss of function (LOF) is a known mechanism of disease.;Absent from controls (or at extremely low frequency if recessive) in Genome Aggregation Database.

Literature cited by the submitters: PubMed 19466712 (cited by Labcorp Genetics (formerly Invitae), Labcorp); PubMed 24886560 (cited by Labcorp Genetics (formerly Invitae), Labcorp); PubMed 26490104 (cited by Labcorp Genetics (formerly Invitae), Labcorp); PubMed 30902645 (cited by Labcorp Genetics (formerly Invitae), Labcorp); PubMed 34008892 (cited by Laboratory of Medical Genetics, National & Kapodistrian University of Athens).

NM_017777.4(MKS1):c.370C>T (p.Arg124Ter)

Gene: MKS1 (MKS transition zone complex subunit 1; minus strand). Cytogenetic location: 17q22.
Variant type: single nucleotide variant.
Coding change: c.370C>T on transcript NM_017777.4 (MANE Select); coding-DNA position 370, C replaced by T.
Protein change: p.Arg124Ter; replaces arginine 124 with a stop codon.
Molecular consequence: nonsense. On other transcripts: 5 prime UTR variant (1).
Genome position (GRCh38, 1-based): chr17:58,216,135, G>A on the plus strand (C>T on the coding strand, the complement: MKS1 is on the minus strand). VCF-style: chr17-58216135-G-A. GRCh37 (hg19) VCF-style: chr17-56293496-G-A.
Other names: c.370C>T (NM_001321269.1); c.-142C>T (NM_001321268.2); c.370C>T, p.Arg124Ter (NM_001321269.2, NM_001330397.2); short protein forms R124*.
Identifiers: ClinVar variation 631779 (VCV000631779.18), dbSNP rs990955357, ClinGen allele CA292014691.